The following is an entry in ClinVar:

NC_000015.10:g.84817184G>A

Gene: ALPK3 (alpha kinase 3; plus strand). Cytogenetic location: 15q25.3.
Variant type: single nucleotide variant.
Genome position: GRCh38 VCF-style: chr15-84817184-G-A. GRCh37 (hg19) VCF-style: chr15-85360415-G-A.
Identifiers: ClinVar variation 4719593 (VCV004719593.1).

ClinVar aggregate classification (germline): Uncertain significance (1 of 4 stars; one submission).

Submission:

Labcorp Genetics (formerly Invitae), Labcorp
Classification: Uncertain significance. Last evaluated: 2025-05-22. Review status: criteria provided, single submitter. Criteria: Invitae Variant Classification Sherloc (09022015). Collection method: clinical testing. Allele origin: germline.
Comment: This sequence change replaces glycine, which is neutral and non-polar, with aspartic acid, which is acidic and polar, at codon 113 of the ALPK3 protein (p.Gly113Asp). This variant is not present in population databases (gnomAD no frequency). This variant has not been reported in the literature in individuals affected with ALPK3-related conditions. An algorithm developed to predict the effect of missense changes on protein structure and function outputs the following: PolyPhen-2: "Benign". The aspartic acid amino acid residue is found in multiple mammalian species, which suggests that this missense change does not adversely affect protein function. In summary, the available evidence is currently insufficient to determine the role of this variant in disease. Therefore, it has been classified as a Variant of Uncertain Significance.